The following is an entry in ClinVar:

NM_001378454.1(ALMS1):c.6455A>G (p.Tyr2152Cys)

Gene: ALMS1 (ALMS1 centrosome and basal body associated protein; plus strand). Cytogenetic location: 2p13.1.
Variant type: single nucleotide variant.
Coding change: c.6455A>G on transcript NM_001378454.1 (MANE Select); coding-DNA position 6455, A replaced by G.
Protein change: p.Tyr2152Cys; replaces tyrosine 2152 with cysteine.
Molecular consequence: missense variant.
Genome position (GRCh38, 1-based): chr2:73,452,982, A>G. VCF-style: chr2-73452982-A-G. GRCh37 (hg19) VCF-style: chr2-73680109-A-G.
Other names: c.6458A>G, p.Tyr2153Cys (NM_015120.4); short protein forms Y2153C, Y2152C.
Identifiers: ClinVar variation 2185034 (VCV002185034.3), dbSNP rs1014759835, ClinGen allele CA347287800.

ClinVar aggregate classification (germline): Uncertain significance. Review status: criteria provided, multiple submitters, no conflicts (2 of 4 stars). 3 submissions from 3 submitters: Uncertain significance (3). Last evaluated 2026-02-18.

Conditions:
Alstrom syndrome (ALMS). Identifiers: Orphanet 64, MedGen C0268425, MONDO:0008763, OMIM 203800.
Cardiovascular phenotype. Identifiers: MedGen CN230736.

gnomAD v4.1: 5 of 1,612,414 alleles (0.00031%); highest among the groups gnomAD compares: Admixed American, 0.0017%; no homozygotes.

Submissions (3):

Ambry Genetics
Classification: Uncertain significance for Cardiovascular phenotype. Last evaluated: 2026-02-18. Review status: criteria provided, single submitter. Criteria: Ambry Variant Classification Scheme 2023. Collection method: clinical testing. Allele origin: germline.
Comment: The p.Y2153C variant (also known as c.6458A>G), located in coding exon 8 of the ALMS1 gene, results from an A to G substitution at nucleotide position 6458. The tyrosine at codon 2153 is replaced by cysteine, an amino acid with highly dissimilar properties. This amino acid position is not well conserved in available vertebrate species. In addition, this alteration is predicted to be tolerated by in silico analysis. Based on the available evidence, the clinical significance of this variant remains unclear.

GeneDx
Classification: Uncertain significance. Last evaluated: 2024-06-13. Review status: criteria provided, single submitter. Criteria: GeneDx Variant Classification Process June 2021. Collection method: clinical testing. Allele origin: germline. Affected: yes.
Comment: Not observed at significant frequency in large population cohorts (gnomAD); In silico analysis indicates that this missense variant does not alter protein structure/function; Has not been previously published as pathogenic or benign to our knowledge

Labcorp Genetics (formerly Invitae), Labcorp
Classification: Uncertain significance for Alstrom syndrome. Last evaluated: 2022-08-20. Review status: criteria provided, single submitter. Criteria: Invitae Variant Classification Sherloc (09022015). Collection method: clinical testing. Allele origin: germline.
Comment: This sequence change replaces tyrosine, which is neutral and polar, with cysteine, which is neutral and slightly polar, at codon 2153 of the ALMS1 protein (p.Tyr2153Cys). This variant is present in population databases (no rsID available, gnomAD 0.0009%). This variant has not been reported in the literature in individuals affected with ALMS1-related conditions. Experimental studies and prediction algorithms are not available or were not evaluated, and the functional significance of this variant is currently unknown. In summary, the available evidence is currently insufficient to determine the role of this variant in disease. Therefore, it has been classified as a Variant of Uncertain Significance.